The following is an entry in ClinVar:

ClinVar aggregate classification (germline): Conflicting classifications of pathogenicity. Review status: criteria provided, conflicting classifications (1 of 4 stars). 2 submissions from 2 submitters: Uncertain significance (1); Likely benign (1). Last evaluated 2023-02-13.

Conditions:
Inborn genetic diseases. Identifiers: MedGen C0950123, MeSH D030342.

Allele frequency attached by ClinVar (database versions not stated): ExAC 0.00002.
gnomAD v4.1: 6 of 1,612,034 alleles (0.00037%); highest among the groups gnomAD compares: Non-Finnish European, 0.00051%; no homozygotes.

Submissions (2):

Labcorp Genetics (formerly Invitae), Labcorp
Classification: Uncertain significance. Last evaluated: 2023-02-13. Review status: criteria provided, single submitter. Criteria: Invitae Variant Classification Sherloc (09022015). Collection method: clinical testing. Allele origin: germline.
Comment: In summary, the available evidence is currently insufficient to determine the role of this variant in disease. Therefore, it has been classified as a Variant of Uncertain Significance. Algorithms developed to predict the effect of missense changes on protein structure and function output the following: SIFT: "Tolerated"; PolyPhen-2: "Benign"; Align-GVGD: "Class C0". The valine amino acid residue is found in multiple mammalian species, which suggests that this missense change does not adversely affect protein function. This variant has not been reported in the literature in individuals affected with RORB-related conditions. This variant is present in population databases (rs767017783, gnomAD 0.002%). This sequence change replaces alanine, which is neutral and non-polar, with valine, which is neutral and non-polar, at codon 249 of the RORB protein (p.Ala249Val).

Ambry Genetics
Classification: Likely benign for Inborn genetic diseases. Last evaluated: 2022-02-03. Review status: criteria provided, single submitter. Criteria: Ambry Variant Classification Scheme 2023. Collection method: clinical testing. Allele origin: germline.

NM_006914.4(RORB):c.746C>T (p.Ala249Val)

Gene: RORB (RAR related orphan receptor B; plus strand). Cytogenetic location: 9q21.13.
Variant type: single nucleotide variant.
Coding change: c.746C>T on transcript NM_006914.4 (MANE Select); coding-DNA position 746, C replaced by T.
Protein change: p.Ala249Val; replaces alanine 249 with valine.
Molecular consequence: missense variant.
Genome position (GRCh38, 1-based): chr9:74,660,725, C>T. VCF-style: chr9-74660725-C-T. GRCh37 (hg19) VCF-style: chr9-77275641-C-T.
Other names: c.779C>T, p.Ala260Val (NM_001365023.1); short protein forms A249V, A260V.
Identifiers: ClinVar variation 2269374 (VCV002269374.5), dbSNP rs767017783, ClinGen allele CA5083431.